The following is an entry in ClinVar:

ClinVar aggregate classification (germline): Uncertain significance (1 of 4 stars; one submission).

Conditions:
Cardiomyopathy (CMYO). Also called: Cardiomyopathies. Identifiers: Orphanet 167848, MedGen C0878544, MONDO:0004994, HP:0001638. Inheritance: Various modes of inheritance.

Submission:

Color Diagnostics, LLC DBA Color Health
Classification: Uncertain significance for Cardiomyopathy. Last evaluated: 2024-03-06. Review status: criteria provided, single submitter. Criteria: ACMG Guidelines, 2015. Collection method: clinical testing. Allele origin: germline.
Comment: This missense variant replaces glutamine with histidine at codon 1021 of the RYR2 protein. Computational prediction is inconclusive regarding the impact of this variant on protein structure and function (internally defined REVEL score threshold 0.5 < inconclusive < 0.7, PMID: 27666373). To our knowledge, functional studies have not been reported for this variant. This variant has not been reported in individuals affected with cardiovascular disorders in the literature. This variant has not been identified in the general population by the Genome Aggregation Database (gnomAD). The available evidence is insufficient to determine the role of this variant in disease conclusively. Therefore, this variant is classified as a Variant of Uncertain Significance.

NM_001035.3(RYR2):c.3063A>C (p.Gln1021His)

Gene: RYR2 (ryanodine receptor 2; plus strand). Cytogenetic location: 1q43.
Variant type: single nucleotide variant.
Coding change: c.3063A>C on transcript NM_001035.3 (MANE Select); coding-DNA position 3063, A replaced by C.
Protein change: p.Gln1021His; replaces glutamine 1021 with histidine.
Molecular consequence: missense variant.
Genome position (GRCh38, 1-based): chr1:237,548,587, A>C. VCF-style: chr1-237548587-A-C. GRCh37 (hg19) VCF-style: chr1-237711887-A-C.
Other names: short protein forms Q1021H.
Identifiers: ClinVar variation 1331876 (VCV001331876.3), dbSNP rs2148091504, ClinGen allele CA345393784.